The following is an entry in ClinVar:

ClinVar aggregate classification (germline): Likely pathogenic (1 of 4 stars; one submission).

Conditions:
Glycine encephalopathy. Also called: Non-ketotic hyperglycinemia; Nonketotic hyperglycinemia. Identifiers: Orphanet 407, MedGen C0751748, MONDO:0011612, HP:0008288.

gnomAD v4.1: 2 of 1,609,608 alleles (0.00012%); highest among the groups gnomAD compares: South Asian, 0.0011%; no homozygotes.

Submission:

Labcorp Genetics (formerly Invitae), Labcorp
Classification: Likely pathogenic for Glycine encephalopathy. Last evaluated: 2022-01-01. Review status: criteria provided, single submitter. Criteria: Invitae Variant Classification Sherloc (09022015). Collection method: clinical testing. Allele origin: germline.
Comment: This sequence change replaces serine, which is neutral and polar, with asparagine, which is neutral and polar, at codon 551 of the GLDC protein (p.Ser551Asn). This variant is not present in population databases (gnomAD no frequency). This variant has not been reported in the literature in individuals affected with GLDC-related conditions. Advanced modeling of protein sequence and biophysical properties (such as structural, functional, and spatial information, amino acid conservation, physicochemical variation, residue mobility, and thermodynamic stability) performed at Invitae indicates that this missense variant is expected to disrupt GLDC protein function. This variant disrupts the p.Ser551 amino acid residue in GLDC. Other variant(s) that disrupt this residue have been determined to be pathogenic (PMID: 27362913). This suggests that this residue is clinically significant, and that variants that disrupt this residue are likely to be disease-causing. In summary, the currently available evidence indicates that the variant is pathogenic, but additional data are needed to prove that conclusively. Therefore, this variant has been classified as Likely Pathogenic.

Literature cited by the submitters: PubMed 27362913.

NM_000170.3(GLDC):c.1652G>A (p.Ser551Asn)

Gene: GLDC (glycine decarboxylase; minus strand). Cytogenetic location: 9p24.1.
Variant type: single nucleotide variant.
Coding change: c.1652G>A on transcript NM_000170.3 (MANE Select); coding-DNA position 1652, G replaced by A.
Protein change: p.Ser551Asn; replaces serine 551 with asparagine.
Molecular consequence: missense variant.
Genome position (GRCh38, 1-based): chr9:6,588,631, C>T on the plus strand (G>A on the coding strand, the complement: GLDC is on the minus strand). VCF-style: chr9-6588631-C-T. GRCh37 (hg19) VCF-style: chr9-6588631-C-T.
Other names: short protein forms S551N.
Identifiers: ClinVar variation 1955115 (VCV001955115.5), dbSNP rs751822565, ClinGen allele CA372892509.